The following is an entry in ClinVar:

ClinVar aggregate classification (germline): Uncertain significance (1 of 4 stars; one submission).

gnomAD v4.1: 1 of 1,614,124 alleles (0.000062%); highest among the groups gnomAD compares: Non-Finnish European, 0.000085%; no homozygotes.

Submission:

Labcorp Genetics (formerly Invitae), Labcorp
Classification: Uncertain significance. Last evaluated: 2025-12-02. Review status: criteria provided, single submitter. Criteria: Invitae Variant Classification Sherloc (09022015). Collection method: clinical testing. Allele origin: germline.
Comment: This sequence change replaces aspartic acid, which is acidic and polar, with tyrosine, which is neutral and polar, at codon 1118 of the NSD1 protein (p.Asp1118Tyr). This variant is not present in population databases (gnomAD no frequency). This variant has not been reported in the literature in individuals affected with NSD1-related conditions. Invitae Evidence Modeling of protein sequence and biophysical properties (such as structural, functional, and spatial information, amino acid conservation, physicochemical variation, residue mobility, and thermodynamic stability) indicates that this missense variant is not expected to disrupt NSD1 protein function with a negative predictive value of 95%. In summary, the available evidence is currently insufficient to determine the role of this variant in disease. Therefore, it has been classified as a Variant of Uncertain Significance.

NM_022455.5(NSD1):c.3352G>T (p.Asp1118Tyr)

Gene: NSD1 (nuclear receptor binding SET domain protein 1; plus strand). Cytogenetic location: 5q35.3.
Variant type: single nucleotide variant.
Coding change: c.3352G>T on transcript NM_022455.5 (MANE Select); coding-DNA position 3352, G replaced by T.
Protein change: p.Asp1118Tyr; replaces aspartic acid 1118 with tyrosine.
Molecular consequence: missense variant.
Genome position (GRCh38, 1-based): chr5:177,211,751, G>T. VCF-style: chr5-177211751-G-T. GRCh37 (hg19) VCF-style: chr5-176638752-G-T.
Other names: c.2479G>T, p.Asp827Tyr (NM_001365684.2, NM_001409306.1, NM_001409307.1 and 3 more transcripts); c.3352G>T, p.Asp1118Tyr (NM_001409301.1, NM_001409302.1, NM_001409303.1); c.2932G>T, p.Asp978Tyr (NM_001409304.1); c.2599G>T, p.Asp867Tyr (NM_001409305.1); short protein forms D827Y, D867Y, D1118Y, D978Y.
Identifiers: ClinVar variation 4780986 (VCV004780986.1).